The following is an entry in ClinVar:

NM_004174.4(SLC9A3):c.1211T>C (p.Ile404Thr)

Gene: SLC9A3 (solute carrier family 9 member A3). Cytogenetic location: 5p15.33.
Variant type: single nucleotide variant.
Coding change: c.1211T>C on transcript NM_004174.4 (MANE Select); coding-DNA position 1211, T replaced by C.
Protein change: p.Ile404Thr; replaces isoleucine 404 with threonine.
Molecular consequence: missense variant.
Genome position (GRCh38, 1-based): chr5:482,693, A>G on the plus strand (T>C on the coding strand, the complement: SLC9A3 is on the minus strand). VCF-style: chr5-482693-A-G. GRCh37 (hg19) VCF-style: chr5-482808-A-G.
Other names: c.1211T>C, p.Ile404Thr (NM_001284351.3); short protein forms I404T.
Identifiers: ClinVar variation 2199743 (VCV002199743.2), dbSNP rs751780244, ClinGen allele CA112843518.
Genomic context (GRCh38, chr5:482,693, plus strand): 5'-ACCACCAGGGCAAAGGCCACGGCCCCGCGCAGGCCCCCGTAGGACAGGACCACCTGGTCA[A>G]TGGGCTCCAGCTGCACCATGCGGTAGCGGTTCAGAAGCCAGGTCTGCAGGACCACACCTG-3'
Protein context (NP_004165.2, residues 394-414): NRYRMVQLEP[Ile404Thr]DQVVLSYGGL

ClinVar aggregate classification (germline): Uncertain significance (1 of 4 stars; one submission).

Allele frequency attached by ClinVar (database versions not stated): gnomAD 0.00002; TOPMed 0.00002.
gnomAD v4.1: 24 of 1,612,212 alleles (0.0015%); highest among the groups gnomAD compares: African/African-American, 0.0027%; no homozygotes.

Submission:

Labcorp Genetics (formerly Invitae), Labcorp
Classification: Uncertain significance. Last evaluated: 2022-03-15. Review status: criteria provided, single submitter. Criteria: Invitae Variant Classification Sherloc (09022015). Collection method: clinical testing. Allele origin: germline.
Comment: In summary, the available evidence is currently insufficient to determine the role of this variant in disease. Therefore, it has been classified as a Variant of Uncertain Significance. Algorithms developed to predict the effect of missense changes on protein structure and function are either unavailable or do not agree on the potential impact of this missense change (SIFT: "Not Available"; PolyPhen-2: "Probably Damaging"; Align-GVGD: "Not Available"). This variant has not been reported in the literature in individuals affected with SLC9A3-related conditions. This variant is not present in population databases (gnomAD no frequency). This sequence change replaces isoleucine, which is neutral and non-polar, with threonine, which is neutral and polar, at codon 404 of the SLC9A3 protein (p.Ile404Thr).